The following is an entry in ClinVar:

NM_183050.4(BCKDHB):c.101del (p.Gly34fs)

Gene: BCKDHB (branched chain keto acid dehydrogenase E1 subunit beta; plus strand). Cytogenetic location: 6q14.1.
Variant type: Deletion.
Coding change: c.101del on transcript NM_183050.4 (MANE Select); coding-DNA position 101, one base deleted (G; older notation c.101delG).
Protein change: p.Gly34fs; shifts the reading frame from glycine 34.
Molecular consequence: frameshift variant. On other transcripts: non-coding transcript variant (1), intron variant (1).
Genome position (GRCh38, 1-based): chr6:80,106,794, G deleted; the last of 4 consecutive G bases (chr6:80,106,791-80,106,794); deleting any one gives the same sequence. VCF-style (leftmost placement, unchanged base first): chr6-80106790-CG-C. GRCh37 (hg19) VCF-style: chr6-80816507-CG-C.
Other names: c.101del, p.Gly34fs (NM_000056.5); c.-15+111del (NM_001318975.1); c.101del (NM_183050.3); short protein forms G34fs.
Identifiers: ClinVar variation 2093596 (VCV002093596.5), dbSNP rs1277939715, ClinGen allele CA568600898.
Genomic context (GRCh38, chr6:80,106,790, plus strand): 5'-AGGCTCAGGGCGGCAGGGGCTGAGGGGCACTGGCGTCGGCTTCCTGGCGCGGGGCTGGCG[CG>C]GGGCTTTTTGCACCCCGCCGCGACTGTCGAGGATGCGGCCCAGAGGCGGCAGGTGGCTCA-3'

ClinVar aggregate classification (germline): Pathogenic/Likely pathogenic. Review status: criteria provided, multiple submitters, no conflicts (2 of 4 stars). 2 submissions from 2 submitters: Pathogenic (1); Likely pathogenic (1). Last evaluated 2024-02-28.

Conditions:
Maple syrup urine disease (MSUD). Identifiers: Orphanet 511, MedGen C0024776, MeSH D008375, MONDO:0009563. Disease mechanism: loss of function.
Maple syrup urine disease type 1A (MSUD1A). Also called: MSUD type 1A. Identifiers: MedGen C1855369, MONDO:0023691, OMIM 248600.

Submissions (2):

Baylor Genetics
Classification: Likely pathogenic for Maple syrup urine disease type 1A. Last evaluated: 2024-02-28. Review status: criteria provided, single submitter. Criteria: ACMG Guidelines, 2015. Collection method: clinical testing. Allele origin: unknown.

Labcorp Genetics (formerly Invitae), Labcorp
Classification: Pathogenic for Maple syrup urine disease. Last evaluated: 2022-09-28. Review status: criteria provided, single submitter. Criteria: Invitae Variant Classification Sherloc (09022015). Collection method: clinical testing. Allele origin: germline.
Comment: For these reasons, this variant has been classified as Pathogenic. This variant has not been reported in the literature in individuals affected with BCKDHB-related conditions. This variant is present in population databases (no rsID available, gnomAD 0.02%). This sequence change creates a premature translational stop signal (p.Gly34Alafs*38) in the BCKDHB gene. It is expected to result in an absent or disrupted protein product. Loss-of-function variants in BCKDHB are known to be pathogenic (PMID: 16786533, 22593002).

Literature cited by the submitters: PubMed 16786533 (cited by Labcorp Genetics (formerly Invitae), Labcorp); PubMed 22593002 (cited by Labcorp Genetics (formerly Invitae), Labcorp).